The following is an entry in ClinVar:

ClinVar aggregate classification (germline): Uncertain significance (0 of 4 stars; one submission).

Conditions:
SIM1-related disorder. Also called: SIM1-related condition; SIM1-related disorders.

Allele frequency attached by ClinVar (database versions not stated): gnomAD 0.00003; gnomAD exomes 0.00003; ExAC 0.00007; 1000 Genomes Project 30x 0.00031; 1000 Genomes Project 0.00040.
gnomAD v4.1: 53 of 1,614,008 alleles (0.0033%); highest among the groups gnomAD compares: South Asian, 0.057%; no homozygotes.

Submission:

PreventionGenetics, part of Exact Sciences
Classification: Uncertain significance for SIM1-related condition. Last evaluated: 2024-02-13. Review status: no assertion criteria provided. Collection method: clinical testing. Allele origin: germline.
Comment: The SIM1 c.1060T>A variant is predicted to result in the amino acid substitution p.Phe354Ile. To our knowledge, this variant has not been reported in the literature. This variant is reported in 0.049% of alleles in individuals of South Asian descent in gnomAD. At this time, the clinical significance of this variant is uncertain due to the absence of conclusive functional and genetic evidence.

NM_005068.3(SIM1):c.1060T>A (p.Phe354Ile)

Genes: SIM1 (SIM bHLH transcription factor 1; minus strand), SIM1-AS1 (SIM1 antisense RNA 1; plus strand). Cytogenetic location: 6q16.3.
Variant type: single nucleotide variant.
Coding change: c.1060T>A on transcript NM_005068.3 (MANE Select); coding-DNA position 1060, T replaced by A.
Protein change: p.Phe354Ile; replaces phenylalanine 354 with isoleucine.
Molecular consequence: missense variant.
Genome position (GRCh38, 1-based): chr6:100,420,897, A>T on the plus strand (T>A on the coding strand, the complement: SIM1 is on the minus strand). VCF-style: chr6-100420897-A-T. GRCh37 (hg19) VCF-style: chr6-100868773-A-T.
Other names: c.1060T>A, p.Phe354Ile (NM_001374769.1); short protein forms F354I.
Identifiers: ClinVar variation 3030290 (VCV003030290.2), dbSNP rs557887397, ClinGen allele CA3937140.
Genomic context (GRCh38, chr6:100,420,897, plus strand): 5'-GGGATTTGGCCCCCTTTCTGTTGTCAGTCATGGTGGGGGTGGAGCTGCTGGTATAGGAGA[A>T]GGCTGGTTTGGAGGCTGAGATCTGATCCAGGGAGAGCTGCAGCCCTTTGTATTCTGTGTC-3'
Protein context (NP_005059.2, residues 344-364): LDQISASKPA[Phe354Ile]SYTSSSTPTM